The following is an entry in ClinVar:

NM_144772.3(NAXE):c.758del (p.Gly253fs)

Gene: NAXE (NAD(P)HX epimerase; plus strand). Cytogenetic location: 1q22.
Variant type: Deletion.
Coding change: c.758del on transcript NM_144772.3 (MANE Select); coding-DNA position 758, one base deleted (G; older notation c.758delG).
Protein change: p.Gly253fs; shifts the reading frame from glycine 253.
Molecular consequence: frameshift variant.
Genome position (GRCh38, 1-based): chr1:156,593,975, G deleted; the last of 2 consecutive G bases (chr1:156,593,974-156,593,975); deleting either gives the same sequence. VCF-style (leftmost placement, unchanged base first): chr1-156593973-CG-C. GRCh37 (hg19) VCF-style: chr1-156563765-CG-C.
Other names: short protein forms G253fs.
Identifiers: ClinVar variation 1920302 (VCV001920302.5), dbSNP rs1677418988, ClinGen allele CA1200667581.
Genomic context (GRCh38, chr1:156,593,973, plus strand): 5'-GATCCAGCCAGACTTGCTCATATCCCTCACAGCCCCCAAAAAATCTGCAACCCAGTTTAC[CG>C]GTCGCTACCATTACCTGGGGGGTCGTTTTGTGCCACCTGCTCTGGAGAAGAAGTACCAGC-3'

ClinVar aggregate classification (germline): Uncertain significance (1 of 4 stars; one submission).

Submission:

Labcorp Genetics (formerly Invitae), Labcorp
Classification: Uncertain significance. Last evaluated: 2022-03-17. Review status: criteria provided, single submitter. Criteria: Invitae Variant Classification Sherloc (09022015). Collection method: clinical testing. Allele origin: germline.
Comment: This variant disrupts a region of the NAXE protein in which other variant(s) (p.Gly253Ser) have been observed in individuals with NAXE-related conditions (PMID: 31745726). This suggests that this is a clinically significant region of the protein, and that variants that disrupt it are likely to be disease-causing. In summary, the available evidence is currently insufficient to determine the role of this variant in disease. Therefore, it has been classified as a Variant of Uncertain Significance. This variant has not been reported in the literature in individuals affected with NAXE-related conditions. This variant is not present in population databases (gnomAD no frequency). This sequence change creates a premature translational stop signal (p.Gly253Valfs*21) in the NAXE gene. While this is not anticipated to result in nonsense mediated decay, it is expected to disrupt the last 36 amino acid(s) of the NAXE protein.

Literature cited by the submitters: PubMed 31745726.